The following is an entry in ClinVar:

NM_003242.6(TGFBR2):c.1254+6T>A

Gene: TGFBR2 (transforming growth factor beta receptor 2; plus strand). Cytogenetic location: 3p24.1.
Variant type: single nucleotide variant.
Coding change: c.1254+6T>A on transcript NM_003242.6 (MANE Select); 6 bases into the intron after coding-DNA position 1254, T replaced by A.
Molecular consequence: intron variant.
Genome position (GRCh38, 1-based): chr3:30,672,443, T>A. VCF-style: chr3-30672443-T-A. GRCh37 (hg19) VCF-style: chr3-30713935-T-A.
Other names: c.1257+6T>A (NM_001407129.1); c.1149+6T>A (NM_001407132.1, NM_001407136.1, NM_001407133.1 and 2 more transcripts); c.1437+6T>A (NM_001407126.1); c.1329+6T>A (NM_001024847.3); c.530-15944T>A (NM_001407139.1); c.969+6T>A (NM_001407137.1); c.1362+6T>A (NM_001407127.1); c.1254+6T>A (NM_001407130.1); and 2 more.
Identifiers: ClinVar variation 477536 (VCV000477536.12), dbSNP rs1026852885, ClinGen allele CA71529069.

ClinVar aggregate classification (germline): Uncertain significance. Review status: criteria provided, multiple submitters, no conflicts (2 of 4 stars). 3 submissions from 3 submitters: Uncertain significance (3). Last evaluated 2026-01-08.

Conditions:
Familial thoracic aortic aneurysm and aortic dissection (TAAD). Also called: Thoracic aortic aneurysms and dissections. Identifiers: Orphanet 91387, MedGen C4707243, MONDO:0019625.

Allele frequency attached by ClinVar (database versions not stated): gnomAD 0.00001; gnomAD exomes 0.00001; TOPMed 0.00002.
gnomAD v4.1: 6 of 1,614,002 alleles (0.00037%); highest among the groups gnomAD compares: Admixed American, 0.005%; no homozygotes.

Submissions (3):

Labcorp Genetics (formerly Invitae), Labcorp
Classification: Uncertain significance for Familial thoracic aortic aneurysm and aortic dissection. Last evaluated: 2026-01-08. Review status: criteria provided, single submitter. Criteria: Invitae Variant Classification Sherloc (09022015). Collection method: clinical testing. Allele origin: germline.
Comment: This sequence change falls in intron 4 of the TGFBR2 gene. It does not directly change the encoded amino acid sequence of the TGFBR2 protein. It affects a nucleotide within the consensus splice site. This variant is present in population databases (no rsID available, gnomAD 0.006%). This variant has not been reported in the literature in individuals affected with TGFBR2-related conditions. ClinVar contains an entry for this variant (Variation ID: 477536). Variants that disrupt the consensus splice site are a relatively common cause of aberrant splicing (PMID: 17576681, 9536098). Algorithms developed to predict the effect of sequence changes on RNA splicing suggest that this variant is not likely to affect RNA splicing. In summary, the available evidence is currently insufficient to determine the role of this variant in disease. Therefore, it has been classified as a Variant of Uncertain Significance.

Color Diagnostics, LLC DBA Color Health
Classification: Uncertain significance for Familial thoracic aortic aneurysm and aortic dissection. Last evaluated: 2023-09-11. Review status: criteria provided, single submitter. Criteria: ACMG Guidelines, 2015. Collection method: clinical testing. Allele origin: germline.
Comment: This variant causes a T>A nucleotide substitution at the +6 position of intron 5 of the TGFBR2 gene. Splice site prediction tools and conservation analyses are inconclusive regarding the impact of this variant on RNA splicing. To our knowledge, functional studies have not been reported for this variant. This variant has not been reported in individuals affected with cardiovascular disorders in the literature. This variant has been identified in 3/249164 chromosomes in the general population by the Genome Aggregation Database (gnomAD). The available evidence is insufficient to determine the role of this variant in disease conclusively. Therefore, this variant is classified as a Variant of Uncertain Significance.

Department of Pathology and Laboratory Medicine, Sinai Health System
Classification: Uncertain significance for familial thoracic aortic aneurysm and aortic dissection. Last evaluated: 2022-01-15. Review status: criteria provided, single submitter. Criteria: ACMG Guidelines, 2015. Collection method: research. Allele origin: germline.

Literature cited by the submitters: PubMed 17576681 (cited by Labcorp Genetics (formerly Invitae), Labcorp); PubMed 9536098 (cited by Labcorp Genetics (formerly Invitae), Labcorp).